The following is an entry in ClinVar:

ClinVar aggregate classification (germline): Uncertain significance (1 of 4 stars; one submission).

Conditions:
Deafness-lymphedema-leukemia syndrome. Also called: Lymphedema, primary, with myelodysplasia; Emberger syndrome. Identifiers: Orphanet 3226, MedGen C3279664, MONDO:0013540, OMIM 614038.
Monocytopenia with susceptibility to infections. Also called: MONOCYTOPENIA AND MYCOBACTERIAL INFECTION SYNDROME; MONOCYTOPENIA WITH SUSCEPTIBILITY TO MYCOBACTERIAL, FUNGAL, AND PAPILLOMAVIRUS INFECTIONS AND MYELODYSPLASIA; COMBINED IMMUNODEFICIENCY WITH SUSCEPTIBILITY TO MYCOBACTERIAL, VIRAL, AND FUNGAL INFECTIONS; IMMUNODEFICIENCY 21; Dendritic cell, monocyte, B lymphocyte, and natural killer lymphocyte deficiency; GATA2 DEFICIENCY. Identifiers: Orphanet 228423, MedGen C3280030, MONDO:0013607, OMIM 614172.

Submission:

Labcorp Genetics (formerly Invitae), Labcorp
Classification: Uncertain significance for Monocytopenia with susceptibility to infections; Deafness-lymphedema-leukemia syndrome. Last evaluated: 2018-05-29. Review status: criteria provided, single submitter. Criteria: Invitae Variant Classification Sherloc (09022015). Collection method: clinical testing. Allele origin: germline.
Comment: Experimental studies and prediction algorithms are not available for this variant, and the functional significance of the inserted amino acid is currently unknown. In summary, the available evidence is currently insufficient to determine the role of this variant in disease. Therefore, it has been classified as a Variant of Uncertain Significance. This variant has not been reported in the literature in individuals with GATA2-related disease. This variant is not present in population databases (ExAC no frequency). This variant, c.70_71insTGT, results in the insertion of 1 amino acid to the GATA2 protein (p.Asp23_Ser24insLeu), but otherwise preserves the integrity of the reading frame.

NM_032638.5(GATA2):c.70_71insTGT (p.Asp23_Ser24insLeu)

Gene: GATA2 (GATA binding protein 2; minus strand). Cytogenetic location: 3q21.3.
Variant type: Insertion.
Coding change: c.70_71insTGT on transcript NM_032638.5 (MANE Select); coding-DNA positions 70 to 71, TGT inserted.
Protein change: p.Asp23_Ser24insLeu.
Molecular consequence: inframe insertion.
Genome position: GRCh38 VCF-style: chr3-128486961-G-GACA. GRCh37 (hg19) VCF-style: chr3-128205804-G-GACA.
Other names: c.70_71insTGT, p.Asp23_Ser24insLeu (NM_001145661.2, NM_001145662.1).
Identifiers: ClinVar variation 582233 (VCV000582233.8), dbSNP rs1559988114, ClinGen allele CA891842735.
Genomic context (GRCh38, chr3:128,486,961, plus strand): 5'-TCGTCTGGAGGCAGCAGCTGCGCGGGTTCCATGTAGTTGTGCGCCAGGCCCGGGTGGTGT[G>GACA]AGTCGGGGTGCTGCGCATTCAGCACGGCCGGGTGCGCCATCCAGCGCGGCTGCTCGGGCG-3'